The following is an entry in ClinVar:

ClinVar aggregate classification (germline): Likely benign. Review status: criteria provided, multiple submitters, no conflicts (2 of 4 stars). 2 submissions from 2 submitters: Likely benign (2). Last evaluated 2025-05-11.

Conditions:
Frontometaphyseal dysplasia (FMD1). Identifiers: Orphanet 1826, MedGen C0265293, MONDO:0015942.
Oto-palato-digital syndrome, type II (OPD2). Also called: FACIOPALATOOSSEOUS SYNDROME; Otopalatodigital Syndrome, Type II; Otopalatodigital Syndrome Type 2 (FLNA-OPD2); OPD II SYNDROME. Identifiers: Orphanet 669, Orphanet 90652, MedGen C1844696, MONDO:0010571, OMIM 304120.
Heterotopia, periventricular, X-linked dominant (PVNH1). Also called: PERIVENTRICULAR NODULAR HETEROTOPIA 4; HETEROTOPIA, PERIVENTRICULAR, 1; PERIVENTRICULAR NODULAR HETEROTOPIA 1; X-linked periventricular heterotopia. Identifiers: Orphanet 2149, Orphanet 82004, MedGen C1848213, MONDO:0010233, OMIM 300049.
Melnick-Needles syndrome (MNS). Also called: Melnick-Needles Syndrome (FLNA-MNS); MELNICK-NEEDLES OSTEODYSPLASTY; OSTEODYSPLASTY OF MELNICK AND NEEDLES. Identifiers: Orphanet 2484, MedGen C0025237, MONDO:0010650, OMIM 309350.

Submissions (2):

Labcorp Genetics (formerly Invitae), Labcorp
Classification: Likely benign for Oto-palato-digital syndrome, type II; Heterotopia, periventricular, X-linked dominant; Frontometaphyseal dysplasia; Melnick-Needles syndrome. Last evaluated: 2025-05-11. Review status: criteria provided, single submitter. Criteria: Invitae Variant Classification Sherloc (09022015). Collection method: clinical testing. Allele origin: germline.

GeneDx
Classification: Likely benign. Last evaluated: 2018-05-18. Review status: criteria provided, single submitter. Criteria: GeneDx Variant Classification (06012015). Collection method: clinical testing. Allele origin: germline. Affected: yes.
Comment: This variant is considered likely benign or benign based on one or more of the following criteria: it is a conservative change, it occurs at a poorly conserved position in the protein, it is predicted to be benign by multiple in silico algorithms, and/or has population frequency not consistent with disease.

NM_001110556.2(FLNA):c.1023C>A (p.Thr341=)

Gene: FLNA (filamin A; minus strand). Cytogenetic location: Xq28.
Variant type: single nucleotide variant.
Coding change: c.1023C>A on transcript NM_001110556.2 (MANE Select); coding-DNA position 1023, C replaced by A.
Protein change: p.Thr341=; no amino-acid change (threonine 341 retained).
Molecular consequence: synonymous variant.
Genome position (GRCh38, 1-based): chrX:154,366,604, G>T on the plus strand (C>A on the coding strand, the complement: FLNA is on the minus strand). VCF-style: chrX-154366604-G-T. GRCh37 (hg19) VCF-style: chrX-153594972-G-T.
Other names: c.1023C>A, p.Thr341= (NM_001456.4).
Identifiers: ClinVar variation 668444 (VCV000668444.4), dbSNP rs1557179351, ClinGen allele CA519709744.